The following is an entry in ClinVar:

ClinVar aggregate classification (germline): Uncertain significance (1 of 4 stars; one submission).

Conditions:
Cardiovascular phenotype. Identifiers: MedGen CN230736.

Submission:

Ambry Genetics
Classification: Uncertain significance for Cardiovascular phenotype. Last evaluated: 2021-08-07. Review status: criteria provided, single submitter. Criteria: Ambry Variant Classification Scheme 2023. Collection method: clinical testing. Allele origin: germline.
Comment: The p.V1184I variant (also known as c.3550G>A), located in coding exon 23 of the APOB gene, results from a G to A substitution at nucleotide position 3550. The valine at codon 1184 is replaced by isoleucine, an amino acid with highly similar properties. This amino acid position is conserved. In addition, this alteration is predicted to be tolerated by in silico analysis. Since supporting evidence is limited at this time, the clinical significance of this alteration remains unclear.

NM_000384.3(APOB):c.3550G>A (p.Val1184Ile)

Gene: APOB (apolipoprotein B; minus strand). Cytogenetic location: 2p24.1.
Variant type: single nucleotide variant.
Coding change: c.3550G>A on transcript NM_000384.3 (MANE Select); coding-DNA position 3550, G replaced by A.
Protein change: p.Val1184Ile; replaces valine 1184 with isoleucine.
Molecular consequence: missense variant.
Genome position (GRCh38, 1-based): chr2:21,015,219, C>T on the plus strand (G>A on the coding strand, the complement: APOB is on the minus strand). VCF-style: chr2-21015219-C-T. GRCh37 (hg19) VCF-style: chr2-21238091-C-T.
Other names: short protein forms V1184I.
Identifiers: ClinVar variation 1732594 (VCV001732594.2), dbSNP rs2465387299, ClinGen allele CA346008823.
Genomic context (GRCh38, chr2:21,015,219, plus strand): 5'-AGCTCTTAGGATAATCGGAGAGATCCACAGGGAAATTGGAAGTCATTTTTTTGGTATCTA[C>T]ATTGGTGCCTGTGTTCCATTCAAATTCAATCTTCTCTTCATCTGAAAATACGTAGGAAAT-3'
Protein context (NP_000375.3, residues 1174-1194): IEFEWNTGTN[Val1184Ile]DTKKMTSNFP